The following is an entry in ClinVar:

NM_005902.4(SMAD3):c.654C>G (p.Asn218Lys)

Gene: SMAD3 (SMAD family member 3; plus strand). Cytogenetic location: 15q22.33.
Variant type: single nucleotide variant.
Coding change: c.654C>G on transcript NM_005902.4 (MANE Select); coding-DNA position 654, C replaced by G.
Protein change: p.Asn218Lys; replaces asparagine 218 with lysine.
Molecular consequence: missense variant.
Genome position (GRCh38, 1-based): chr15:67,170,600, C>G. VCF-style: chr15-67170600-C-G. GRCh37 (hg19) VCF-style: chr15-67462938-C-G.
Other names: c.207C>G, p.Asn69Lys (NM_001407015.1); c.339C>G, p.Asn113Lys (NM_001407016.1, NM_001145102.2); c.69C>G, p.Asn23Lys (NM_001407017.1, NM_001145104.2); c.522C>G, p.Asn174Lys (NM_001145103.2, NM_001407012.1); c.654C>G, p.Asn218Lys (NM_001407011.1, NM_001407013.1); c.507C>G, p.Asn169Lys (NM_001407014.1); short protein forms N113K, N169K, N174K, N218K, N23K, N69K.
Identifiers: ClinVar variation 5029700 (VCV005029700.1).

ClinVar aggregate classification (germline): Uncertain significance (1 of 4 stars; one submission).

Conditions:
Familial thoracic aortic aneurysm and aortic dissection (TAAD). Also called: Thoracic aortic aneurysms and dissections. Identifiers: Orphanet 91387, MedGen C4707243, MONDO:0019625.

Submission:

Ambry Genetics
Classification: Uncertain significance for Familial thoracic aortic aneurysm and aortic dissection. Last evaluated: 2026-07-01. Review status: criteria provided, single submitter. Criteria: Ambry Variant Classification Scheme 2023. Collection method: clinical testing. Allele origin: germline.
Comment: The p.N218K variant (also known as c.654C>G), located in coding exon 5 of the SMAD3 gene, results from a C to G substitution at nucleotide position 654. The asparagine at codon 218 is replaced by lysine, an amino acid with similar properties. This amino acid position is conserved. In addition, the in silico prediction for this alteration is inconclusive. Based on the available evidence, the clinical significance of this variant remains unclear.